The following is an entry in ClinVar:

ClinVar aggregate classification (germline): Uncertain significance. Review status: criteria provided, multiple submitters, no conflicts (2 of 4 stars). 3 submissions from 3 submitters: Uncertain significance (2). 1 of the submissions does not count toward it. Last evaluated 2025-05-06.

Conditions:
Inborn genetic diseases. Identifiers: MedGen C0950123, MeSH D030342.
Intellectual disability. Also called: intellectual disabilities; Intellectual developmental disorder; Intellectual functioning disability. Identifiers: MedGen C3714756, MeSH D008607, MONDO:0001071, HP:0001249.

Allele frequency attached by ClinVar (database versions not stated): TOPMed 0.00014; gnomAD 0.00013 and 0.00014; 1000 Genomes Project 30x 0.00031; ExAC 0.00011; gnomAD exomes 0.00007 and 0.00012; ESP Exome Variant Server 0.00008; 1000 Genomes Project 0.00020.

Submissions (3):

GeneDx
Classification: Uncertain significance. Last evaluated: 2025-05-06. Review status: criteria provided, single submitter. Criteria: GeneDx Variant Classification Process June 2021. Collection method: clinical testing. Allele origin: germline.
Comment: In silico analysis suggests that this missense variant does not alter protein structure/function; Has not been previously published as pathogenic or benign to our knowledge

Ambry Genetics
Classification: Uncertain significance for Inborn genetic diseases. Last evaluated: 2025-03-08. Review status: criteria provided, single submitter. Criteria: Ambry Variant Classification Scheme 2023. Collection method: clinical testing. Allele origin: germline.

Centre de Biologie Pathologie Génétique, Centre Hospitalier Universitaire de Lille
Classification: Likely benign for Intellectual disability. Last evaluated: 2019-01-01. Review status: no assertion criteria provided. Collection method: clinical testing. Allele origin: inherited. Affected: yes. Not counted in ClinVar's aggregate classification.

NM_005522.5(HOXA1):c.562C>A (p.Gln188Lys)

Gene: HOXA1 (homeobox A1; minus strand). Cytogenetic location: 7p15.2.
Variant type: single nucleotide variant.
Coding change: c.562C>A on transcript NM_005522.5 (MANE Select); coding-DNA position 562, C replaced by A.
Protein change: p.Gln188Lys; replaces glutamine 188 with lysine.
Molecular consequence: missense variant.
Genome position (GRCh38, 1-based): chr7:27,095,351, G>T on the plus strand (C>A on the coding strand, the complement: HOXA1 is on the minus strand). VCF-style: chr7-27095351-G-T. GRCh37 (hg19) VCF-style: chr7-27134970-G-T.
Other names: c.359C>A, p.Pro120Gln (NM_153620.3); short protein forms P120Q, Q188K.
Identifiers: ClinVar variation 975716 (VCV000975716.4), dbSNP rs150540921, ClinGen allele CA4195917.